The following is an entry in ClinVar:

NM_001039591.3(USP9X):c.2644C>T (p.Arg882Cys)

Gene: USP9X (ubiquitin specific peptidase 9 X-linked; plus strand). Cytogenetic location: Xp11.4.
Variant type: single nucleotide variant.
Coding change: c.2644C>T on transcript NM_001039591.3 (MANE Select); coding-DNA position 2644, C replaced by T.
Protein change: p.Arg882Cys; replaces arginine 882 with cysteine.
Molecular consequence: missense variant.
Genome position (GRCh38, 1-based): chrX:41,170,002, C>T. VCF-style: chrX-41170002-C-T. GRCh37 (hg19) VCF-style: chrX-41029255-C-T.
Other names: c.2644C>T, p.Arg882Cys (NM_001039590.3); c.2659C>T, p.Arg887Cys (NM_001410748.1, NM_001410749.1); short protein forms R882C, R887C.
Identifiers: ClinVar variation 1704943 (VCV001704943.3), dbSNP rs2519224437, ClinGen allele CA412757987.

ClinVar aggregate classification (germline): Uncertain significance. Review status: criteria provided, multiple submitters, no conflicts (2 of 4 stars). 2 submissions from 2 submitters: Uncertain significance (2). Last evaluated 2023-03-22.

Conditions:
USP9X-related disorder. Also called: USP9X-related condition.

Allele frequency attached by ClinVar (database versions not stated): gnomAD exomes below 0.00001.
gnomAD v4.1: 4 of 1,211,224 alleles (0.00033%); highest among the groups gnomAD compares: East Asian, 0.003%; no homozygotes.

Submissions (2):

PreventionGenetics, part of Exact Sciences
Classification: Uncertain significance for USP9X-related condition. Last evaluated: 2023-03-22. Review status: criteria provided, single submitter. Criteria: ACMG Guidelines, 2015. Collection method: clinical testing. Allele origin: germline.
Comment: The USP9X c.2644C>T variant is predicted to result in the amino acid substitution p.Arg882Cys. This variant was reported in the hemizygous state in male siblings with neurodevelopmental phenotypes and classified as a variant of uncertain significance (Johnson et al. 2019. PubMed ID: 31443933). This variant has not been reported in a large population database, indicating it is rare. At this time, the clinical significance of this variant is uncertain due to the absence of conclusive functional and genetic evidence.

GeneDx
Classification: Uncertain significance. Last evaluated: 2022-08-26. Review status: criteria provided, single submitter. Criteria: GeneDx Variant Classification Process June 2021. Collection method: clinical testing. Allele origin: germline. Affected: yes.
Comment: Identified via exome sequencing in two males from the same family with a neurodevelopmental disorder and reported as uncertain significance (Johnson et al., 2020); In silico analysis supports that this missense variant has a deleterious effect on protein structure/function; This variant is associated with the following publications: (PMID: 31443933)